The following is an entry in ClinVar:

ClinVar aggregate classification (germline): Conflicting classifications of pathogenicity. Review status: criteria provided, conflicting classifications (1 of 4 stars). 5 submissions from 5 submitters: Uncertain significance (3); Benign (1); Likely benign (1). Last evaluated 2026-05-15.

Conditions:
Hereditary cancer-predisposing syndrome. Also called: Neoplastic Syndromes, Hereditary; Hereditary Cancer Syndrome; Tumor predisposition; Hereditary neoplastic syndrome. Identifiers: Orphanet 140162, MedGen C0027672, MeSH D009386, MONDO:0015356.
Multiple endocrine neoplasia, type 1 (MEN1). Also called: MEA I; MEN I; WERMER SYNDROME; Endocrine adenomatosis multiple; MEN 1. Identifiers: Orphanet 652, MedGen C0025267, MeSH D018761, MONDO:0007540, OMIM 131100.

Allele frequency attached by ClinVar (database versions not stated): gnomAD 0.00001; TOPMed 0.00001; ExAC 0.00001.

Submissions (5):

Ambry Genetics
Classification: Benign for Hereditary cancer-predisposing syndrome. Last evaluated: 2026-05-15. Review status: criteria provided, single submitter. Criteria: Ambry Variant Classification Scheme 2023. Collection method: clinical testing. Allele origin: germline.

Labcorp Genetics (formerly Invitae), Labcorp
Classification: Likely benign for Multiple endocrine neoplasia, type 1. Last evaluated: 2026-01-25. Review status: criteria provided, single submitter. Criteria: Invitae Variant Classification Sherloc (09022015). Collection method: clinical testing. Allele origin: germline.

Women's Health and Genetics/Laboratory Corporation of America, LabCorp
Classification: Uncertain significance. Last evaluated: 2025-04-25. Review status: criteria provided, single submitter. Criteria: LabCorp Variant Classification Summary - May 2015. Collection method: clinical testing. Allele origin: germline.
Comment: Variant summary: MEN1 c.655-5C>G alters a nucleotide located at a position not widely known to affect splicing. Several computational tools predict a significant impact on normal splicing: Two predict the variant weakens a 3' acceptor site. Four predict the variant creates a 5' donor site. However, these predictions have yet to be confirmed by functional studies. The variant was absent in 250756 control chromosomes (gnomAD). The available data on variant occurrences in the general population are insufficient to allow any conclusion about variant significance. To our knowledge, no occurrence of c.655-5C>G in individuals affected with Multiple Endocrine Neoplasia Type 1 and no experimental evidence demonstrating its impact on protein function have been reported. ClinVar contains an entry for this variant (Variation ID: 241821). Based on the evidence outlined above, the variant was classified as uncertain significance.

GeneDx
Classification: Uncertain significance. Last evaluated: 2023-05-19. Review status: criteria provided, single submitter. Criteria: GeneDx Variant Classification Process June 2021. Collection method: clinical testing. Allele origin: germline. Affected: yes.
Comment: Not observed at significant frequency in large population cohorts (gnomAD); In silico analysis is inconclusive as to whether the variant alters gene splicing. In the absence of RNA/functional studies, the actual effect of this sequence change is unknown.; Has not been previously published as pathogenic or benign to our knowledge

Baylor Genetics
Classification: Uncertain significance for Multiple Endocrine Neoplasia Type 1. Last evaluated: 2022-08-10. Review status: criteria provided, single submitter. Criteria: ACMG Guidelines, 2015. Collection method: clinical testing. Allele origin: unknown.

NM_001370259.2(MEN1):c.655-5C>G

Gene: MEN1 (menin 1; minus strand). Cytogenetic location: 11q13.1.
Variant type: single nucleotide variant.
Coding change: c.655-5C>G on transcript NM_001370259.2 (MANE Select); 5 bases into the intron before coding-DNA position 655, C replaced by G.
Molecular consequence: intron variant.
Genome position (GRCh38, 1-based): chr11:64,807,685, G>C on the plus strand (C>G on the coding strand, the complement: MEN1 is on the minus strand). VCF-style: chr11-64807685-G-C. GRCh37 (hg19) VCF-style: chr11-64575157-G-C.
Other names: c.670-5C>G (NM_130804.3, NM_130803.3, NM_000244.4 and 3 more transcripts); c.655-5C>G (NM_130799.3, NM_001370260.2, NM_001370251.2 and 1 more transcripts); c.550-5C>G (NM_001370263.2, NM_001370262.2).
Identifiers: ClinVar variation 241821 (VCV000241821.18), dbSNP rs752563214, ClinGen allele CA061418.